The following is an entry in ClinVar:

ClinVar aggregate classification (germline): Likely benign (0 of 4 stars; one submission).

Conditions:
ASH1L-related disorder. Also called: ASH1L-related condition.

Allele frequency attached by ClinVar (database versions not stated): gnomAD exomes 0.00003; ExAC 0.00011; gnomAD 0.00043; TOPMed 0.00045; 1000 Genomes Project 30x 0.00047; 1000 Genomes Project 0.00060; ESP Exome Variant Server 0.00069.
gnomAD v4.1: 117 of 1,614,018 alleles (0.0072%); highest among the groups gnomAD compares: African/African-American, 0.15%; no homozygotes.

Submission:

PreventionGenetics, part of Exact Sciences
Classification: Likely benign for ASH1L-related condition. Last evaluated: 2019-05-24. Review status: no assertion criteria provided. Collection method: clinical testing. Allele origin: germline.
Comment: This variant is classified as likely benign based on ACMG/AMP sequence variant interpretation guidelines (Richards et al. 2015 PMID: 25741868, with internal and published modifications).

NM_018489.3(ASH1L):c.3939A>C (p.Arg1313=)

Gene: ASH1L (ASH1 like histone lysine methyltransferase; minus strand). Cytogenetic location: 1q22.
Variant type: single nucleotide variant.
Coding change: c.3939A>C on transcript NM_018489.3 (MANE Select); coding-DNA position 3939, A replaced by C.
Protein change: p.Arg1313=; no amino-acid change (arginine 1313 retained).
Molecular consequence: synonymous variant.
Genome position (GRCh38, 1-based): chr1:155,478,931, T>G on the plus strand (A>C on the coding strand, the complement: ASH1L is on the minus strand). VCF-style: chr1-155478931-T-G. GRCh37 (hg19) VCF-style: chr1-155448722-T-G.
Other names: c.3939A>C, p.Arg1313= (NM_001366177.2).
Identifiers: ClinVar variation 3038782 (VCV003038782.2), dbSNP rs138817613, ClinGen allele CA1147006.